The following is an entry in ClinVar:

NM_000051.4(ATM):c.4165A>G (p.Thr1389Ala)

Gene: ATM (ATM serine/threonine kinase; plus strand). Cytogenetic location: 11q22.3.
Variant type: single nucleotide variant.
Coding change: c.4165A>G on transcript NM_000051.4 (MANE Select); coding-DNA position 4165, A replaced by G.
Protein change: p.Thr1389Ala; replaces threonine 1389 with alanine.
Molecular consequence: missense variant.
Genome position (GRCh38, 1-based): chr11:108,289,032, A>G. VCF-style: chr11-108289032-A-G. GRCh37 (hg19) VCF-style: chr11-108159759-A-G.
Other names: c.4165A>G, p.Thr1389Ala (NM_001351834.2); short protein forms T1389A.
Identifiers: ClinVar variation 648746 (VCV000648746.9), dbSNP rs1591660534, ClinGen allele CA382530108.
Genomic context (GRCh38, chr11:108,289,032, plus strand): 5'-GTTAGGGATTTGGATCCTGCTCCTAATCCACCTCATTTTCCATCGCATGTGATTAAAGCA[A>G]CATTTGCCTATATCAGCAATTGTCATAAAACCAAGTTAAAAAGCATTTTAGAAATTCTTT-3'
Protein context (NP_000042.3, residues 1379-1399): PHFPSHVIKA[Thr1389Ala]FAYISNCHKT

ClinVar aggregate classification (germline): Uncertain significance. Review status: criteria provided, multiple submitters, no conflicts (2 of 4 stars). 2 submissions from 2 submitters: Uncertain significance (2). Last evaluated 2026-02-28.

Conditions:
Hereditary cancer-predisposing syndrome. Also called: Neoplastic Syndromes, Hereditary; Hereditary neoplastic syndrome; Tumor predisposition; Hereditary Cancer Syndrome. Identifiers: Orphanet 140162, MedGen C0027672, MeSH D009386, MONDO:0015356.
Ataxia-telangiectasia syndrome (AT). Also called: Ataxia telangiectasia (A-T); Cerebello-oculocutaneous telangiectasia; Immunodeficiency with ataxia telangiectasia; Ataxia-telangiectasia, complementation group D; ATAXIA-TELANGIECTASIA, COMPLEMENTATION GROUP A; ATAXIA-TELANGIECTASIA, FRESNO VARIANT. Identifiers: Orphanet 100, MedGen C0004135, MONDO:0008840, OMIM 208900.

Submissions (2):

Ambry Genetics
Classification: Uncertain significance for Hereditary cancer-predisposing syndrome. Last evaluated: 2026-02-28. Review status: criteria provided, single submitter. Criteria: Ambry Variant Classification Scheme 2023. Collection method: clinical testing. Allele origin: germline.
Comment: The p.T1389A variant (also known as c.4165A>G), located in coding exon 27 of the ATM gene, results from an A to G substitution at nucleotide position 4165. The threonine at codon 1389 is replaced by alanine, an amino acid with similar properties. This amino acid position is conserved. In addition, this alteration is predicted to be deleterious by in silico analysis. Based on the available evidence, the clinical significance of this variant remains unclear.

Labcorp Genetics (formerly Invitae), Labcorp
Classification: Uncertain significance for Ataxia-telangiectasia syndrome. Last evaluated: 2024-12-09. Review status: criteria provided, single submitter. Criteria: Invitae Variant Classification Sherloc (09022015). Collection method: clinical testing. Allele origin: germline.
Comment: This sequence change replaces threonine, which is neutral and polar, with alanine, which is neutral and non-polar, at codon 1389 of the ATM protein (p.Thr1389Ala). This variant is not present in population databases (gnomAD no frequency). This variant has not been reported in the literature in individuals affected with ATM-related conditions. ClinVar contains an entry for this variant (Variation ID: 648746). Invitae Evidence Modeling of protein sequence and biophysical properties (such as structural, functional, and spatial information, amino acid conservation, physicochemical variation, residue mobility, and thermodynamic stability) has been performed for this missense variant. However, the output from this modeling did not meet the statistical confidence thresholds required to predict the impact of this variant on ATM protein function. In summary, the available evidence is currently insufficient to determine the role of this variant in disease. Therefore, it has been classified as a Variant of Uncertain Significance.